The following is an entry in ClinVar:

NM_006493.4(CLN5):c.*269G>A

Gene: CLN5 (CLN5 lysosomal BMP synthase; plus strand). Cytogenetic location: 13q22.3.
Variant type: single nucleotide variant.
Coding change: c.*269G>A on transcript NM_006493.4 (MANE Select); 269 bases downstream of the stop codon, G replaced by A.
Molecular consequence: 3 prime UTR variant.
Genome position (GRCh38, 1-based): chr13:77,001,238, G>A. VCF-style: chr13-77001238-G-A. GRCh37 (hg19) VCF-style: chr13-77575373-G-A.
Other names: c.*795G>A (NM_001366624.2).
Identifiers: ClinVar variation 882131 (VCV000882131.6), dbSNP rs137867457, ClinGen allele CA252177860.
Genomic context (GRCh38, chr13:77,001,238, plus strand): 5'-AGGTGATCTTGGTTTCAATTTCCGAGCCTTTGTTAATATGGAGAATTATGGTTCATATCA[G>A]TTATGTAGGACCTTTGGACCCAGGGTCCTACAGATAGATATGGTGTGCCCAGATTTTAAA-3'

ClinVar aggregate classification (germline): Likely benign. Review status: criteria provided, multiple submitters, no conflicts (2 of 4 stars). 2 submissions from 2 submitters: Likely benign (2). Last evaluated 2018-06-19.

Conditions:
Neuronal ceroid lipofuscinosis 5 (CLN5). Also called: Neuronal ceroid lipofuscinosis Finnish variant; NEURONAL CEROID LIPOFUSCINOSIS, LATE INFANTILE, FINNISH VARIANT; CLN5-Related Neuronal Ceroid-Lipofuscinosis; CEROID LIPOFUSCINOSIS, NEURONAL, 5, VARIABLE AGE AT ONSET. Identifiers: Orphanet 168491, Orphanet 228360, MedGen C1850442, MONDO:0009745, OMIM 256731.

Allele frequency attached by ClinVar (database versions not stated): gnomAD exomes 0.00034; 1000 Genomes Project 0.00339; 1000 Genomes Project 30x 0.00359; TOPMed 0.00409.
gnomAD v4.1: 619 of 322,266 alleles (0.19%); highest among the groups gnomAD compares: African/African-American, 1.3%; 3 homozygotes.

Submissions (2):

GeneDx
Classification: Likely benign. Last evaluated: 2018-06-19. Review status: criteria provided, single submitter. Criteria: GeneDx Variant Classification Process June 2021. Collection method: clinical testing. Allele origin: germline. Affected: yes.

Illumina Laboratory Services, Illumina
Classification: Likely benign for Neuronal ceroid lipofuscinosis 5. Last evaluated: 2018-01-13. Review status: criteria provided, single submitter. Criteria: ICSL Variant Classification Criteria 13 December 2019. Collection method: clinical testing. Allele origin: germline.
Comment: This variant was observed in the ICSL laboratory as part of a predisposition screen in an ostensibly healthy population. It had not been previously curated by ICSL or reported in the Human Gene Mutation Database (HGMD: prior to June 1st, 2018), and was therefore a candidate for classification through an automated scoring system. Utilizing variant allele frequency, disease prevalence and penetrance estimates, and inheritance mode, an automated score was calculated to assess if this variant is too frequent to cause the disease. Based on the score and internal cut-off values, a variant classified as likely benign is not then subjected to further curation. The score for this variant resulted in a classification of likely benign for this disease.